The following is an entry in ClinVar:

ClinVar aggregate classification (germline): Uncertain significance. Review status: criteria provided, multiple submitters, no conflicts (2 of 4 stars). 2 submissions from 2 submitters: Uncertain significance (2). Last evaluated 2024-05-07.

Conditions:
Inborn genetic diseases. Identifiers: MedGen C0950123, MeSH D030342.

Allele frequency attached by ClinVar (database versions not stated): gnomAD exomes below 0.00001; ExAC 0.00001.
gnomAD v4.1: 2 of 1,613,888 alleles (0.00012%); highest among the groups gnomAD compares: East Asian, 0.0045%; no homozygotes.

Submissions (2):

Ambry Genetics
Classification: Uncertain significance for Inborn genetic diseases. Last evaluated: 2024-05-07. Review status: criteria provided, single submitter. Criteria: Ambry Variant Classification Scheme 2023. Collection method: clinical testing. Allele origin: germline.

Labcorp Genetics (formerly Invitae), Labcorp
Classification: Uncertain significance. Last evaluated: 2022-05-14. Review status: criteria provided, single submitter. Criteria: Invitae Variant Classification Sherloc (09022015). Collection method: clinical testing. Allele origin: germline.
Comment: In summary, the available evidence is currently insufficient to determine the role of this variant in disease. Therefore, it has been classified as a Variant of Uncertain Significance. Algorithms developed to predict the effect of missense changes on protein structure and function (SIFT, PolyPhen-2, Align-GVGD) all suggest that this variant is likely to be tolerated. This variant has not been reported in the literature in individuals affected with KIAA0753-related conditions. This variant is present in population databases (rs747307505, gnomAD 0.006%). This sequence change replaces glutamic acid, which is acidic and polar, with valine, which is neutral and non-polar, at codon 682 of the KIAA0753 protein (p.Glu682Val).

NM_014804.3(KIAA0753):c.2045A>T (p.Glu682Val)

Gene: KIAA0753 (KIAA0753; minus strand). Cytogenetic location: 17p13.1.
Variant type: single nucleotide variant.
Coding change: c.2045A>T on transcript NM_014804.3 (MANE Select); coding-DNA position 2045, A replaced by T.
Protein change: p.Glu682Val; replaces glutamic acid 682 with valine.
Molecular consequence: missense variant. On other transcripts: non-coding transcript variant (3).
Genome position (GRCh38, 1-based): chr17:6,600,423, T>A on the plus strand (A>T on the coding strand, the complement: KIAA0753 is on the minus strand). VCF-style: chr17-6600423-T-A. GRCh37 (hg19) VCF-style: chr17-6503743-T-A.
Other names: c.1148A>T, p.Glu383Val (NM_001351225.2); c.2045A>T (NM_014804.2); short protein forms E383V, E682V.
Identifiers: ClinVar variation 1994366 (VCV001994366.5), dbSNP rs747307505, ClinGen allele CA8330291.